The following is an entry in ClinVar:

NM_032383.5(HPS3):c.2367T>A (p.Cys789Ter)

Genes: CP (ceruloplasmin; minus strand), HPS3 (HPS3 biogenesis of lysosomal organelles complex 2 subunit 1; plus strand). Cytogenetic location: 3q24.
Variant type: single nucleotide variant.
Coding change: c.2367T>A on transcript NM_032383.5 (MANE Select); coding-DNA position 2367, T replaced by A.
Protein change: p.Cys789Ter; replaces cysteine 789 with a stop codon.
Molecular consequence: nonsense. On other transcripts: non-coding transcript variant (1).
Genome position (GRCh38, 1-based): chr3:149,162,764, T>A. VCF-style: chr3-149162764-T-A. GRCh37 (hg19) VCF-style: chr3-148880551-T-A.
Other names: c.1872T>A, p.Cys624Ter (NM_001308258.2); short protein forms C624*, C789*.
Identifiers: ClinVar variation 5015464 (VCV005015464.1).

ClinVar aggregate classification (germline): Pathogenic (1 of 4 stars; one submission).

Conditions:
Hermansky-Pudlak syndrome 3 (HPS3). Identifiers: Orphanet 231512, Orphanet 79430, MedGen C3888001, MONDO:0013555, OMIM 614072.

Submission:

Myriad Genetics, Inc.
Classification: Pathogenic for Hermansky-Pudlak syndrome 3. Last evaluated: 2024-05-14. Review status: criteria provided, single submitter. Criteria: Myriad Autosomal Dominant, Autosomal Recessive and X-Linked Classification Criteria (2023). Collection method: clinical testing. Allele origin: unknown.
Comment: NM_032383.3(HPS3):c.2367T>A(C789*) is expected to be pathogenic in the context of Hermansky-Pudlak syndrome, HPS3-related. This variant is predicted to lead to an abnormal or absent protein product due to the creation of a premature termination codon in HPS3, a gene where loss-of-function variants are known to be pathogenic. Please note: this variant was assessed in the context of healthy population screening.